The following is an entry in ClinVar:

ClinVar aggregate classification (germline): Uncertain significance. Review status: criteria provided, multiple submitters, no conflicts (2 of 4 stars). 5 submissions from 5 submitters: Uncertain significance (4). 1 of the submissions does not count toward it. Last evaluated 2025-02-03.

Conditions:
Isolated focal cortical dysplasia type II (FCORD2). Also called: CORTICAL DYSPLASIA OF TAYLOR; Focal cortical dysplasia type II. Identifiers: Orphanet 268994, MedGen C1846385, MONDO:0011818, OMIM 607341, HP:0032051.
Tuberous sclerosis 2 (TSC2). Identifiers: Orphanet 805, MedGen C1860707, MONDO:0013199, OMIM 613254.
Lymphangiomyomatosis (LAM). Also called: Lymphangioleiomyomatosis; Lymphangioleiomyomatosis, somatic. Identifiers: Orphanet 538, MedGen C0751674, MONDO:0011705, OMIM 606690.
TSC2-related disorder. Also called: TSC2-related condition; TSC2-Related Disorders.
Hereditary cancer-predisposing syndrome. Also called: Hereditary neoplastic syndrome; Neoplastic Syndromes, Hereditary; Tumor predisposition; Hereditary Cancer Syndrome. Identifiers: Orphanet 140162, MedGen C0027672, MeSH D009386, MONDO:0015356.

Allele frequency attached by ClinVar (database versions not stated): gnomAD exomes below 0.00001; TOPMed 0.00001.
gnomAD v4.1: 1 of 1,613,624 alleles (0.000062%); highest among the groups gnomAD compares: Non-Finnish European, 0.000085%; no homozygotes.

Submissions (5):

Labcorp Genetics (formerly Invitae), Labcorp
Classification: Uncertain significance for Tuberous sclerosis 2. Last evaluated: 2025-02-03. Review status: criteria provided, single submitter. Criteria: Invitae Variant Classification Sherloc (09022015). Collection method: clinical testing. Allele origin: germline.
Comment: This sequence change replaces proline, which is neutral and non-polar, with leucine, which is neutral and non-polar, at codon 768 of the TSC2 protein (p.Pro768Leu). This variant is not present in population databases (gnomAD no frequency). This variant has not been reported in the literature in individuals affected with TSC2-related conditions. ClinVar contains an entry for this variant (Variation ID: 467933). Invitae Evidence Modeling of protein sequence and biophysical properties (such as structural, functional, and spatial information, amino acid conservation, physicochemical variation, residue mobility, and thermodynamic stability) indicates that this missense variant is not expected to disrupt TSC2 protein function with a negative predictive value of 95%. In summary, the available evidence is currently insufficient to determine the role of this variant in disease. Therefore, it has been classified as a Variant of Uncertain Significance.

Ambry Genetics
Classification: Uncertain significance for Hereditary cancer-predisposing syndrome. Last evaluated: 2024-12-10. Review status: criteria provided, single submitter. Criteria: Ambry Variant Classification Scheme 2023. Collection method: clinical testing. Allele origin: germline.
Comment: The p.P768L variant (also known as c.2303C>T), located in coding exon 20 of the TSC2 gene, results from a C to T substitution at nucleotide position 2303. The proline at codon 768 is replaced by leucine, an amino acid with similar properties. This amino acid position is highly conserved in available vertebrate species. In addition, this alteration is predicted to be deleterious by in silico analysis. Based on the available evidence, the clinical significance of this variant remains unclear.

Baylor Genetics
Classification: Uncertain significance for Isolated focal cortical dysplasia type II. Last evaluated: 2024-03-15. Review status: criteria provided, single submitter. Criteria: ACMG Guidelines, 2015. Collection method: clinical testing. Allele origin: unknown.

Fulgent Genetics
Classification: Uncertain significance for Lymphangiomyomatosis; Isolated focal cortical dysplasia type II; Tuberous sclerosis 2. Last evaluated: 2024-02-03. Review status: criteria provided, single submitter. Criteria: ACMG Guidelines, 2015. Collection method: clinical testing. Allele origin: germline.

PreventionGenetics, part of Exact Sciences
Classification: Uncertain significance for TSC2-related condition. Last evaluated: 2024-08-24. Review status: no assertion criteria provided. Collection method: clinical testing. Allele origin: germline. Not counted in ClinVar's aggregate classification.
Comment: The TSC2 c.2303C>T variant is predicted to result in the amino acid substitution p.Pro768Leu. To our knowledge, this variant has not been reported in the literature or in a large population database, indicating this variant is rare. This variant is interpreted as uncertain in ClinVar. At this time, the clinical significance of this variant is uncertain due to the absence of conclusive functional and genetic evidence.

NM_000548.5(TSC2):c.2303C>T (p.Pro768Leu)

Gene: TSC2 (TSC complex subunit 2; plus strand). Cytogenetic location: 16p13.3.
Variant type: single nucleotide variant.
Coding change: c.2303C>T on transcript NM_000548.5 (MANE Select); coding-DNA position 2303, C replaced by T.
Protein change: p.Pro768Leu; replaces proline 768 with leucine.
Molecular consequence: missense variant.
Genome position (GRCh38, 1-based): chr16:2,072,931, C>T. VCF-style: chr16-2072931-C-T. GRCh37 (hg19) VCF-style: chr16-2122932-C-T.
Other names: c.2303C>T, p.Pro768Leu (NM_001077183.3, NM_001114382.3, NM_001363528.2 and 3 more transcripts); c.2192C>T, p.Pro731Leu (NM_001318827.2); c.2156C>T, p.Pro719Leu (NM_001318829.2); c.1703C>T, p.Pro568Leu (NM_001318831.2); c.2336C>T, p.Pro779Leu (NM_001318832.2); c.2303C>T (NM_000548.4); short protein forms P768L, P719L, P568L, P731L, P779L.
Identifiers: ClinVar variation 467933 (VCV000467933.17), dbSNP rs1555506977, ClinGen allele CA394276612.